The following is an entry in ClinVar:

NM_016363.5(GP6):c.572G>A (p.Trp191Ter)

Gene: GP6 (glycoprotein VI platelet; minus strand). Cytogenetic location: 19q13.42.
Variant type: single nucleotide variant.
Coding change: c.572G>A on transcript NM_016363.5 (MANE Select); coding-DNA position 572, G replaced by A.
Protein change: p.Trp191Ter; replaces tryptophan 191 with a stop codon.
Molecular consequence: nonsense.
Genome position (GRCh38, 1-based): chr19:55,027,616, C>T on the plus strand (G>A on the coding strand, the complement: GP6 is on the minus strand). VCF-style: chr19-55027616-C-T. GRCh37 (hg19) VCF-style: chr19-55538984-C-T.
Other names: c.572G>A, p.Trp191Ter (NM_001256017.2, NM_001083899.2); short protein forms W191*.
Identifiers: ClinVar variation 2959947 (VCV002959947.3), dbSNP rs776766695, ClinGen allele CA310130030.
Genomic context (GRCh38, chr19:55,027,616, plus strand): 5'-GTTTGGTCTGCACTACCCCTACCTGTGACCACAAGCTCCAGGGGGTCGCTGGGGGCTGAC[C>T]ACAGGTATGGGTCCCTGCTGGAGAAGCTGTAGCATCGGTAGGTTCCGCTGTGGGCGGCGG-3'

ClinVar aggregate classification (germline): Pathogenic (1 of 4 stars; one submission).

Allele frequency attached by ClinVar (database versions not stated): gnomAD exomes below 0.00001; ExAC 0.00002.
gnomAD v4.1: 6 of 1,613,706 alleles (0.00037%); highest among the groups gnomAD compares: Admixed American, 0.0017%; no homozygotes.

Submission:

Labcorp Genetics (formerly Invitae), Labcorp
Classification: Pathogenic. Last evaluated: 2023-11-10. Review status: criteria provided, single submitter. Criteria: Invitae Variant Classification Sherloc (09022015). Collection method: clinical testing. Allele origin: germline.
Comment: This sequence change creates a premature translational stop signal (p.Trp191*) in the GP6 gene. It is expected to result in an absent or disrupted protein product. Loss-of-function variants in GP6 are known to be pathogenic (PMID: 16139873, 23815599). This variant is present in population databases (rs776766695, gnomAD 0.002%). This variant has not been reported in the literature in individuals affected with GP6-related conditions. For these reasons, this variant has been classified as Pathogenic.

Literature cited by the submitters: PubMed 16139873; PubMed 23815599.